The following is an entry in ClinVar:

NM_001148.6(ANK2):c.8351G>A (p.Ser2784Asn)

Gene: ANK2 (ankyrin 2; plus strand). Cytogenetic location: 4q26.
Variant type: single nucleotide variant.
Coding change: c.8351G>A on transcript NM_001148.6 (MANE Select); coding-DNA position 8351, G replaced by A.
Protein change: p.Ser2784Asn; replaces serine 2784 with asparagine.
Molecular consequence: missense variant. On other transcripts: intron variant (68).
Genome position (GRCh38, 1-based): chr4:113,356,969, G>A. VCF-style: chr4-113356969-G-A. GRCh37 (hg19) VCF-style: chr4-114278125-G-A.
Other names: c.8117G>A, p.Ser2706Asn (NM_001386142.1); c.4751G>A, p.Ser1584Asn (NM_001386166.1); c.8492G>A, p.Ser2831Asn (NM_001386174.1); c.8468G>A, p.Ser2823Asn (NM_001386175.1); c.4412-3854G>A (NM_001386186.2, NM_001386148.2); c.4214-3854G>A (NM_001354269.3); c.4292-3854G>A (NM_001386187.2); c.4253-3854G>A (NM_001386147.1); and 35 more; short protein forms S1584N, S2784N, S2831N, S2706N, S2823N.
Identifiers: ClinVar variation 1763058 (VCV001763058.26), dbSNP rs1178981600, ClinGen allele CA357933875.

ClinVar aggregate classification (germline): Uncertain significance. Review status: criteria provided, multiple submitters, no conflicts (2 of 4 stars). 2 submissions from 2 submitters: Uncertain significance (2). Last evaluated 2023-07-01.

Conditions:
Cardiovascular phenotype. Identifiers: MedGen CN230736.

Allele frequency attached by ClinVar (database versions not stated): gnomAD exomes below 0.00001; TOPMed 0.00001.
gnomAD v4.1: 2 of 1,614,092 alleles (0.00012%); highest among the groups gnomAD compares: Non-Finnish European, 0.00017%; no homozygotes.

Submissions (2):

CeGaT Center for Human Genetics Tuebingen
Classification: Uncertain significance. Last evaluated: 2023-07-01. Review status: criteria provided, single submitter. Criteria: CeGaT Center For Human Genetics Tuebingen Variant Classification Criteria Version 2. Collection method: clinical testing. Allele origin: germline. Affected: yes. Observed: 1 variant allele.
Comment: ANK2: PM2, BP4

Ambry Genetics
Classification: Uncertain significance for Cardiovascular phenotype. Last evaluated: 2022-01-19. Review status: criteria provided, single submitter. Criteria: Ambry Variant Classification Scheme 2023. Collection method: clinical testing. Allele origin: germline.
Comment: The p.S2784N variant (also known as c.8351G>A), located in coding exon 38 of the ANK2 gene, results from a G to A substitution at nucleotide position 8351. The serine at codon 2784 is replaced by asparagine, an amino acid with highly similar properties. This amino acid position is conserved. In addition, this alteration is predicted to be tolerated by in silico analysis. Since supporting evidence is limited at this time, the clinical significance of this alteration remains unclear.